The following is an entry in ClinVar:

NM_203447.4(DOCK8):c.418C>T (p.Pro140Ser)

Gene: DOCK8 (dedicator of cytokinesis 8; plus strand). Cytogenetic location: 9p24.3.
Variant type: single nucleotide variant.
Coding change: c.418C>T on transcript NM_203447.4 (MANE Select); coding-DNA position 418, C replaced by T.
Protein change: p.Pro140Ser; replaces proline 140 with serine.
Molecular consequence: missense variant.
Genome position (GRCh38, 1-based): chr9:304,594, C>T. VCF-style: chr9-304594-C-T. GRCh37 (hg19) VCF-style: chr9-304594-C-T.
Other names: c.214C>T, p.Pro72Ser (NM_001190458.2, NM_001193536.2); short protein forms P140S, P72S.
Identifiers: ClinVar variation 3616890 (VCV003616890.2).

ClinVar aggregate classification (germline): Uncertain significance (1 of 4 stars; one submission).

Conditions:
Combined immunodeficiency due to DOCK8 deficiency (HIES2). Also called: HIES autosomal recessive; Hyper-IgE recurrent infection syndrome, autosomal recessive; HYPER-IgE RECURRENT INFECTION SYNDROME 2, AUTOSOMAL RECESSIVE; HYPER-IgE SYNDROME 2, AUTOSOMAL RECESSIVE, WITH RECURRENT INFECTIONS; DOCK8 Deficiency. Identifiers: Orphanet 217390, MedGen C4722305, MONDO:0009478, OMIM 243700.

gnomAD v4.1: 2 of 1,614,134 alleles (0.00012%); highest among the groups gnomAD compares: South Asian, 0.0011%; no homozygotes.

Submission:

Labcorp Genetics (formerly Invitae), Labcorp
Classification: Uncertain significance for Combined immunodeficiency due to DOCK8 deficiency. Last evaluated: 2024-06-13. Review status: criteria provided, single submitter. Criteria: Invitae Variant Classification Sherloc (09022015). Collection method: clinical testing. Allele origin: germline.
Comment: This sequence change replaces proline, which is neutral and non-polar, with serine, which is neutral and polar, at codon 140 of the DOCK8 protein (p.Pro140Ser). This variant is present in population databases (no rsID available, gnomAD 0.003%). This variant has not been reported in the literature in individuals affected with DOCK8-related conditions. Algorithms developed to predict the effect of missense changes on protein structure and function output the following: SIFT: "Not Available"; PolyPhen-2: "Benign"; Align-GVGD: "Not Available". The serine amino acid residue is found in multiple mammalian species, which suggests that this missense change does not adversely affect protein function. In summary, the available evidence is currently insufficient to determine the role of this variant in disease. Therefore, it has been classified as a Variant of Uncertain Significance.